The following is an entry in ClinVar:

NM_020911.2(PLXNA4):c.499G>T (p.Gly167Cys)

Gene: PLXNA4 (plexin A4; minus strand). Cytogenetic location: 7q32.3.
Variant type: single nucleotide variant.
Coding change: c.499G>T on transcript NM_020911.2 (MANE Select); coding-DNA position 499, G replaced by T.
Protein change: p.Gly167Cys; replaces glycine 167 with cysteine.
Molecular consequence: missense variant.
Genome position (GRCh38, 1-based): chr7:132,508,195, C>A on the plus strand (G>T on the coding strand, the complement: PLXNA4 is on the minus strand). VCF-style: chr7-132508195-C-A. GRCh37 (hg19) VCF-style: chr7-132192954-C-A.
Other names: c.499G>T, p.Gly167Cys (NM_001105543.2, NM_001393897.1, NM_181775.4); short protein forms G167C.
Identifiers: ClinVar variation 5000053 (VCV005000053.1).

ClinVar aggregate classification (germline): Uncertain significance (1 of 4 stars; one submission).

Conditions:
PLXNA4-related disorder. Also called: PLXNA4-related condition.

Submission:

PreventionGenetics, part of Exact Sciences
Classification: Uncertain significance for PLXNA4-related condition. Last evaluated: 2025-03-12. Review status: criteria provided, single submitter. Criteria: ACMG Guidelines, 2015. Collection method: clinical testing. Allele origin: germline.
Comment: The PLXNA4 c.499G>T variant is predicted to result in the amino acid substitution p.Gly167Cys. To our knowledge, this variant has not been reported in the literature or in a large population database (gnomAD), indicating this variant is rare. At this time, the clinical significance of this variant is uncertain due to the absence of conclusive functional and genetic evidence.